The following is an entry in ClinVar:

ClinVar aggregate classification (germline): Uncertain significance (1 of 4 stars; one submission).

Submission:

GeneDx
Classification: Uncertain significance. Last evaluated: 2026-02-24. Review status: criteria provided, single submitter. Criteria: GeneDx Variant Classification Process June 2021. Collection method: clinical testing. Allele origin: germline.
Comment: Not observed at significant frequency in large population cohorts (gnomAD); In silico analysis supports a deleterious effect on splicing; Has not been previously published as pathogenic or benign to our knowledge

NM_022114.4(PRDM16):c.1033-11C>A

Gene: PRDM16 (PR/SET domain 16; plus strand). Cytogenetic location: 1p36.32.
Variant type: single nucleotide variant.
Coding change: c.1033-11C>A on transcript NM_022114.4 (MANE Select); 11 bases into the intron before coding-DNA position 1033, C replaced by A.
Molecular consequence: intron variant.
Genome position (GRCh38, 1-based): chr1:3,405,484, C>A. VCF-style: chr1-3405484-C-A. GRCh37 (hg19) VCF-style: chr1-3322048-C-A.
Other names: c.1033-11C>A (NM_199454.3).
Identifiers: ClinVar variation 5009997 (VCV005009997.1).